The following is an entry in ClinVar:

NM_000179.3(MSH6):c.1170T>C (p.Asp390=)

Gene: MSH6 (mutS homolog 6; plus strand). Cytogenetic location: 2p16.3.
Variant type: single nucleotide variant.
Coding change: c.1170T>C on transcript NM_000179.3 (MANE Select); coding-DNA position 1170, T replaced by C.
Protein change: p.Asp390=; no amino-acid change (aspartic acid 390 retained).
Molecular consequence: synonymous variant.
Genome position (GRCh38, 1-based): chr2:47,799,153, T>C. VCF-style: chr2-47799153-T-C. GRCh37 (hg19) VCF-style: chr2-48026292-T-C.
Other names: c.780T>C, p.Asp260= (NM_001281492.2); c.264T>C, p.Asp88= (NM_001281493.2, NM_001281494.2).
Identifiers: ClinVar variation 186238 (VCV000186238.66), dbSNP rs55882234, ClinGen allele CA008223.

ClinVar aggregate classification (germline): Conflicting classifications of pathogenicity. Review status: criteria provided, conflicting classifications (1 of 4 stars). 11 submissions from 11 submitters: Uncertain significance (1); Benign (1); Likely benign (7). 2 of the submissions do not count toward it. Last evaluated 2026-01-19.

Conditions:
MSH6-related disorder. Also called: MSH6-related condition; MSH6-Related disorders.
Hereditary nonpolyposis colorectal neoplasms. Identifiers: MedGen C0009405, MeSH D003123.
Hereditary cancer-predisposing syndrome. Also called: Tumor predisposition; Neoplastic Syndromes, Hereditary; Hereditary Cancer Syndrome; Hereditary neoplastic syndrome. Identifiers: Orphanet 140162, MedGen C0027672, MeSH D009386, MONDO:0015356.
Lynch syndrome 5 (LYNCH5). Also called: Hereditary non-polyposis colorectal cancer, type 5; Colorectal cancer, hereditary nonpolyposis, type 5. Identifiers: Orphanet 144, MedGen C1833477, MONDO:0013710, OMIM 614350. Disease mechanism: loss of function.

Allele frequency attached by ClinVar (database versions not stated): gnomAD 0.00001.
gnomAD v4.1: 56 of 1,613,558 alleles (0.0035%); highest among the groups gnomAD compares: East Asian, 0.12%; no homozygotes.

Submissions (11):

Labcorp Genetics (formerly Invitae), Labcorp
Classification: Likely benign for Hereditary nonpolyposis colorectal neoplasms. Last evaluated: 2026-01-19. Review status: criteria provided, single submitter. Criteria: Invitae Variant Classification Sherloc (09022015). Collection method: clinical testing. Allele origin: germline.

Center for Genomic Medicine, Rigshospitalet, Copenhagen University Hospital
Classification: Likely benign. Last evaluated: 2025-12-29. Review status: criteria provided, single submitter. Criteria: ACMG Guidelines, 2015. Collection method: clinical testing. Allele origin: germline.
Comment: Classification criteria: BS1, BP4, BP7

Myriad Genetics, Inc.
Classification: Benign for Lynch syndrome 5. Last evaluated: 2023-03-28. Review status: criteria provided, single submitter. Criteria: Myriad Autosomal Dominant, Autosomal Recessive and X-Linked Classification Criteria (2023). Collection method: clinical testing. Allele origin: unknown.
Comment: This variant is considered benign. This variant is a silent/synonymous amino acid change and it is not expected to impact splicing.

CeGaT Center for Human Genetics Tuebingen
Classification: Likely benign. Last evaluated: 2022-02-01. Review status: criteria provided, single submitter. Criteria: CeGaT Center For Human Genetics Tuebingen Variant Classification Criteria Version 2. Collection method: clinical testing. Allele origin: germline. Affected: yes. Observed: 1 variant allele.

Women's Health and Genetics/Laboratory Corporation of America, LabCorp
Classification: Likely benign. Last evaluated: 2020-09-03. Review status: criteria provided, single submitter. Criteria: LabCorp Variant Classification Summary - May 2015. Collection method: clinical testing. Allele origin: germline.

GeneDx
Classification: Likely benign. Last evaluated: 2019-05-01. Review status: criteria provided, single submitter. Criteria: GeneDx Variant Classification Process June 2021. Collection method: clinical testing. Allele origin: germline. Affected: yes.
Comment: This variant is associated with the following publications: (PMID: 10675480)

Illumina Laboratory Services, Illumina
Classification: Uncertain significance for Lynch syndrome 5. Last evaluated: 2018-01-13. Review status: criteria provided, single submitter. Criteria: ICSL Variant Classification Criteria 13 December 2019. Collection method: clinical testing. Allele origin: germline.

Color Diagnostics, LLC DBA Color Health
Classification: Likely benign for Hereditary cancer-predisposing syndrome. Last evaluated: 2015-10-09. Review status: criteria provided, single submitter. Criteria: ACMG Guidelines, 2015. Collection method: clinical testing. Allele origin: germline.

Ambry Genetics
Classification: Likely benign for Hereditary cancer-predisposing syndrome. Last evaluated: 2014-09-03. Review status: criteria provided, single submitter. Criteria: Ambry Variant Classification Scheme 2023. Collection method: clinical testing. Allele origin: germline.

PreventionGenetics, part of Exact Sciences
Classification: Likely benign for MSH6-related condition. Last evaluated: 2020-01-03. Review status: no assertion criteria provided. Collection method: clinical testing. Allele origin: germline. Not counted in ClinVar's aggregate classification.
Comment: This variant is classified as likely benign based on ACMG/AMP sequence variant interpretation guidelines (Richards et al. 2015 PMID: 25741868, with internal and published modifications).

Counsyl
Classification: Likely benign for Lynch syndrome 5. Last evaluated: 2017-06-29. Review status: no assertion criteria provided. Collection method: clinical testing. Allele origin: unknown. Not counted in ClinVar's aggregate classification.

Literature cited by the submitters: PubMed 24362816 (cited by Women's Health and Genetics/Laboratory Corporation of America, LabCorp); PubMed 10675480 (cited by Women's Health and Genetics/Laboratory Corporation of America, LabCorp and Ambry Genetics).